The following is an entry in ClinVar:

NM_004260.4(RECQL4):c.1414_1415delinsTT (p.Ala472Phe)

Gene: RECQL4 (RecQ like helicase 4; minus strand). Cytogenetic location: 8q24.3.
Variant type: Indel.
Coding change: c.1414_1415delinsTT on transcript NM_004260.4 (MANE Select); coding-DNA positions 1414 to 1415, GC replaced by TT.
Protein change: p.Ala472Phe; replaces alanine 472 with phenylalanine.
Molecular consequence: missense variant.
Genome position (GRCh38, 1-based): chr8:144,515,218-144,515,219, GC replaced by AA on the plus strand (GC replaced by TT on the coding strand, the reverse complement: RECQL4 is on the minus strand). VCF-style: chr8-144515218-GC-AA. GRCh37 (hg19) VCF-style: chr8-145740602-GC-AA.
Other names: short protein forms A472F.
Identifiers: ClinVar variation 1016401 (VCV001016401.5), dbSNP rs1827984088, ClinGen allele CA1826368152.

ClinVar aggregate classification (germline): Uncertain significance (1 of 4 stars; one submission).

Conditions:
Baller-Gerold syndrome (BGS). Also called: CRANIOSYNOSTOSIS WITH RADIAL DEFECTS. Identifiers: Orphanet 1225, MedGen C0265308, MONDO:0009039, OMIM 218600.

Submission:

Labcorp Genetics (formerly Invitae), Labcorp
Classification: Uncertain significance for Baller-Gerold syndrome. Last evaluated: 2022-09-23. Review status: criteria provided, single submitter. Criteria: Invitae Variant Classification Sherloc (09022015). Collection method: clinical testing. Allele origin: germline.
Comment: This variant, c.1414_1415delinsTT, is a complex sequence change that results in the the deletion of alanine and insertion of phenylalanine amino acid(s) in the RECQL4 protein (p.Ala472Phe). Information on the frequency of this variant in the gnomAD database is not available, as this variant may be reported differently in the database. This variant has not been reported in the literature in individuals affected with RECQL4-related conditions. ClinVar contains an entry for this variant (Variation ID: 1016401). Experimental studies and prediction algorithms are not available or were not evaluated, and the functional significance of this variant is currently unknown. In summary, the available evidence is currently insufficient to determine the role of this variant in disease. Therefore, it has been classified as a Variant of Uncertain Significance.